The following is an entry in ClinVar:

NM_031433.4(MFRP):c.757A>C (p.Met253Leu)

Genes: C1QTNF5 (C1q and TNF related 5; minus strand), MFRP (membrane frizzled-related protein; minus strand). Cytogenetic location: 11q23.3.
Variant type: single nucleotide variant.
Coding change: c.757A>C on transcript NM_031433.4 (MANE Select); coding-DNA position 757, A replaced by C.
Protein change: p.Met253Leu; replaces methionine 253 with leucine.
Molecular consequence: missense variant. On other transcripts: 5 prime UTR variant (1).
Genome position (GRCh38, 1-based): chr11:119,344,889, T>G on the plus strand (A>C on the coding strand, the complement: MFRP is on the minus strand). VCF-style: chr11-119344889-T-G. GRCh37 (hg19) VCF-style: chr11-119215599-T-G.
Other names: c.-1880A>C (NM_015645.5); short protein forms M253L.
Identifiers: ClinVar variation 1387017 (VCV001387017.7), dbSNP rs1275281184, ClinGen allele CA382977410.

ClinVar aggregate classification (germline): Uncertain significance (1 of 4 stars; one submission).

Conditions:
Isolated microphthalmia 5. Also called: Posterior Microphthalmia with Retinitis Pigmentosa, Foveoschisis, and Optic Disc Drusen. Identifiers: Orphanet 251279, MedGen C1970236, MONDO:0012605, OMIM 611040.

Allele frequency attached by ClinVar (database versions not stated): gnomAD exomes 0.00001 and 0.00002.
gnomAD v4.1: 35 of 1,613,010 alleles (0.0022%); highest among the groups gnomAD compares: Non-Finnish European, 0.0029%; 1 homozygote.

Submission:

Labcorp Genetics (formerly Invitae), Labcorp
Classification: Uncertain significance for Isolated microphthalmia 5. Last evaluated: 2021-06-05. Review status: criteria provided, single submitter. Criteria: Invitae Variant Classification Sherloc (09022015). Collection method: clinical testing. Allele origin: germline.
Comment: In summary, the available evidence is currently insufficient to determine the role of this variant in disease. Therefore, it has been classified as a Variant of Uncertain Significance. Algorithms developed to predict the effect of missense changes on protein structure and function (SIFT, PolyPhen-2, Align-GVGD) all suggest that this variant is likely to be tolerated, but these predictions have not been confirmed by published functional studies and their clinical significance is uncertain. This variant has not been reported in the literature in individuals with MFRP-related conditions. This variant is not present in population databases (ExAC no frequency). This sequence change replaces methionine with leucine at codon 253 of the MFRP protein (p.Met253Leu). The methionine residue is weakly conserved and there is a small physicochemical difference between methionine and leucine.